The following is an entry in ClinVar:

ClinVar aggregate classification (germline): Uncertain significance (1 of 4 stars; one submission).

gnomAD v4.1: 5 of 1,614,178 alleles (0.00031%); highest among the groups gnomAD compares: Non-Finnish European, 0.00042%; no homozygotes.

Submission:

GeneDx
Classification: Uncertain significance. Last evaluated: 2020-01-28. Review status: criteria provided, single submitter. Criteria: GeneDx Variant Classification Process June 2021. Collection method: clinical testing. Allele origin: germline. Affected: yes.
Comment: Not observed in large population cohorts (Lek et al., 2016); In silico analysis, which includes protein predictors and evolutionary conservation, supports that this variant does not alter protein structure/function; Has not been previously published as pathogenic or benign to our knowledge

NM_014023.4(WDR37):c.694C>G (p.Leu232Val)

Genes: WDR37 (WD repeat domain 37; plus strand), LOC126860809 (MED14-independent group 3 enhancer GRCh37_chr10:1141578-1142777; plus strand). Cytogenetic location: 10p15.3.
Variant type: single nucleotide variant.
Coding change: c.694C>G on transcript NM_014023.4 (MANE Select); coding-DNA position 694, C replaced by G.
Protein change: p.Leu232Val; replaces leucine 232 with valine.
Molecular consequence: missense variant.
Genome position (GRCh38, 1-based): chr10:1,096,214, C>G. VCF-style: chr10-1096214-C-G. GRCh37 (hg19) VCF-style: chr10-1142154-C-G.
Other names: short protein forms L232V.
Identifiers: ClinVar variation 1311653 (VCV001311653.2), dbSNP rs761447360, ClinGen allele CA375854293.